The following is an entry in ClinVar:

ClinVar aggregate classification (germline): Uncertain significance (1 of 4 stars; one submission).

Allele frequency attached by ClinVar (database versions not stated): ExAC 0.00001; gnomAD 0.00001.
gnomAD v4.1: 3 of 1,608,104 alleles (0.00019%); highest among the groups gnomAD compares: Admixed American, 0.005%; no homozygotes.

Submission:

Labcorp Genetics (formerly Invitae), Labcorp
Classification: Uncertain significance. Last evaluated: 2022-03-14. Review status: criteria provided, single submitter. Criteria: Invitae Variant Classification Sherloc (09022015). Collection method: clinical testing. Allele origin: germline.
Comment: In summary, the available evidence is currently insufficient to determine the role of this variant in disease. Therefore, it has been classified as a Variant of Uncertain Significance. Algorithms developed to predict the effect of sequence changes on RNA splicing suggest that this variant may create or strengthen a splice site. Algorithms developed to predict the effect of missense changes on protein structure and function output the following: SIFT: "Deleterious"; PolyPhen-2: "Benign"; Align-GVGD: "Class C0". The alanine amino acid residue is found in multiple mammalian species, which suggests that this missense change does not adversely affect protein function. This variant has not been reported in the literature in individuals affected with DMP1-related conditions. This variant is present in population databases (rs745396074, gnomAD 0.006%). This sequence change replaces serine, which is neutral and polar, with alanine, which is neutral and non-polar, at codon 14 of the DMP1 protein (p.Ser14Ala).

NM_004407.4(DMP1):c.40T>G (p.Ser14Ala)

Genes: DMP1 (dentin matrix acidic phosphoprotein 1; plus strand), DMP1-AS1 (DMP1 and DSPP antisense RNA 1; minus strand). Cytogenetic location: 4q22.1.
Variant type: single nucleotide variant.
Coding change: c.40T>G on transcript NM_004407.4 (MANE Select); coding-DNA position 40, T replaced by G.
Protein change: p.Ser14Ala; replaces serine 14 with alanine.
Molecular consequence: missense variant.
Genome position (GRCh38, 1-based): chr4:87,656,532, T>G. VCF-style: chr4-87656532-T-G. GRCh37 (hg19) VCF-style: chr4-88577684-T-G.
Other names: c.40T>G, p.Ser14Ala (NM_001079911.3); short protein forms S14A.
Identifiers: ClinVar variation 2076546 (VCV002076546.4), dbSNP rs745396074, ClinGen allele CA3001910.